The following is an entry in ClinVar:

ClinVar aggregate classification (germline): Likely benign. Review status: criteria provided, multiple submitters, no conflicts (2 of 4 stars). 4 submissions from 4 submitters: Likely benign (3). 1 of the submissions does not count toward it. Last evaluated 2026-02-11.

Conditions:
NLRP1-related disorder. Also called: NLRP1-related condition.

Allele frequency attached by ClinVar (database versions not stated): gnomAD exomes 0.00010 and 0.00025; ExAC 0.00033; 1000 Genomes Project 30x 0.00047; 1000 Genomes Project 0.00060; gnomAD 0.00097 and 0.00105; ESP Exome Variant Server 0.00108; TOPMed 0.00113.
gnomAD v4.1: 304 of 1,614,188 alleles (0.019%); highest among the groups gnomAD compares: African/African-American, 0.34%; no homozygotes.

Submissions (4):

Women's Health and Genetics/Laboratory Corporation of America, LabCorp
Classification: Likely benign. Last evaluated: 2026-02-11. Review status: criteria provided, single submitter. Criteria: LabCorp Variant Classification Summary - May 2015. Collection method: clinical testing. Allele origin: germline.
Comment: Variant summary: NLRP1 c.406G>A (p.Val136Ile) results in a conservative amino acid change in the encoded protein sequence. Algorithms developed to predict the effect of missense changes on protein structure and function all suggest that this variant is likely to be tolerated. The variant allele was found at a frequency of 0.00025 in 251308 control chromosomes, predominantly at a frequency of 0.0032 within the African or African-American subpopulation in the gnomAD database. The observed variant frequency within African or African-American control individuals in the gnomAD database exceeds the estimated maximal expected allele frequency for disease-causing variants in NLRP1. To our knowledge, no occurrence of c.406G>A in individuals affected with NLRP1-related conditions and no experimental evidence demonstrating its impact on protein function have been reported. ClinVar contains an entry for this variant (Variation ID: 730716). Based on the evidence outlined above, the variant was classified as likely benign.

Labcorp Genetics (formerly Invitae), Labcorp
Classification: Likely benign. Last evaluated: 2025-10-18. Review status: criteria provided, single submitter. Criteria: Invitae Variant Classification Sherloc (09022015). Collection method: clinical testing. Allele origin: germline.

Blueprint Genetics
Classification: Likely benign. Last evaluated: 2023-12-13. Review status: criteria provided, single submitter. Criteria: ACMG Guidelines, 2015. Collection method: clinical testing. Allele origin: germline.

PreventionGenetics, part of Exact Sciences
Classification: Uncertain significance for NLRP1-related condition. Last evaluated: 2023-11-08. Review status: no assertion criteria provided. Collection method: clinical testing. Allele origin: germline. Not counted in ClinVar's aggregate classification.
Comment: The NLRP1 c.406G>A variant is predicted to result in the amino acid substitution p.Val136Ile. This variant has been reported in an individual with autism spectrum disorder (Supplementary Data 1, Zhou et al. 2022. PubMed ID: 35982159). This variant is reported in 0.34% of alleles in individuals of African descent in gnomAD, which may be too common to be causative. While this variant may be benign, at this time, the clinical significance of this variant is uncertain due to the absence of conclusive functional and genetic evidence.

NM_033004.4(NLRP1):c.406G>A (p.Val136Ile)

Gene: NLRP1 (NLR family pyrin domain containing 1; minus strand). Cytogenetic location: 17p13.2.
Variant type: single nucleotide variant.
Coding change: c.406G>A on transcript NM_033004.4 (MANE Select); coding-DNA position 406, G replaced by A.
Protein change: p.Val136Ile; replaces valine 136 with isoleucine.
Molecular consequence: missense variant.
Genome position (GRCh38, 1-based): chr17:5,582,712, C>T on the plus strand (G>A on the coding strand, the complement: NLRP1 is on the minus strand). VCF-style: chr17-5582712-C-T. GRCh37 (hg19) VCF-style: chr17-5486032-C-T.
Other names: c.406G>A, p.Val136Ile (NM_001033053.3, NM_014922.5, NM_033006.4 and 1 more transcripts); short protein forms V136I.
Identifiers: ClinVar variation 730716 (VCV000730716.15), dbSNP rs142484301, ClinGen allele CA8327587.
Genomic context (GRCh38, chr17:5,582,712, plus strand): 5'-TGCCTCAGCAAGCCTCACCTCTCCAGCGGCGTCCAGATGTGTCAGGCAGCTGTCTCAAAA[C>T]CCTTCTCTCTGAGCCCTGGGTGCACCCCGCCGGCAATTCATGGATCCAGGGCATTAGCAC-3'
Protein context (NP_127497.1, residues 126-146): AGCTQGSERR[Val136Ile]LRQLPDTSGR